The following is an entry in ClinVar:

ClinVar aggregate classification (germline): Uncertain significance (1 of 4 stars; one submission).

Submission:

Ambry Genetics
Classification: Uncertain significance. Last evaluated: 2023-07-21. Review status: criteria provided, single submitter. Criteria: Ambry Variant Classification Scheme 2023. Collection method: clinical testing. Allele origin: germline.
Comment: The p.E192K variant (also known as c.574G>A), located in coding exon 1 of the TERF2IP gene, results from a G to A substitution at nucleotide position 574. The glutamic acid at codon 192 is replaced by lysine, an amino acid with similar properties. This amino acid position is conserved. In addition, this alteration is predicted to be tolerated by in silico analysis. Since supporting evidence is limited at this time, the clinical significance of this alteration remains unclear.

NM_018975.4(TERF2IP):c.574G>A (p.Glu192Lys)

Gene: TERF2IP (TERF2 interacting protein; plus strand). Cytogenetic location: 16q23.1.
Variant type: single nucleotide variant.
Coding change: c.574G>A on transcript NM_018975.4 (MANE Select); coding-DNA position 574, G replaced by A.
Protein change: p.Glu192Lys; replaces glutamic acid 192 with lysine.
Molecular consequence: missense variant. On other transcripts: non-coding transcript variant (1).
Genome position (GRCh38, 1-based): chr16:75,648,456, G>A. VCF-style: chr16-75648456-G-A. GRCh37 (hg19) VCF-style: chr16-75682354-G-A.
Other names: short protein forms E192K.
Identifiers: ClinVar variation 2625589 (VCV002625589.2), dbSNP rs2507074831, ClinGen allele CA396818198.